The following is an entry in ClinVar:

ClinVar aggregate classification (germline): Uncertain significance. Review status: criteria provided, multiple submitters, no conflicts (2 of 4 stars). 3 submissions from 3 submitters: Uncertain significance (3). Last evaluated 2024-12-11.

Conditions:
Acromesomelic dysplasia 1, Maroteaux type (AMD1). Also called: ACROMESOMELIC DYSPLASIA 1; ST. HELENA DYSPLASIA. Identifiers: Orphanet 40, MedGen C1864356, MONDO:0011275, OMIM 602875.
Tall stature-scoliosis-macrodactyly of the great toes syndrome. Also called: Epiphyseal chondrodysplasia, miura type. Identifiers: Orphanet 329191, MedGen C4014690, MONDO:0014401, OMIM 615923.
Inborn genetic diseases. Identifiers: MedGen C0950123, MeSH D030342.

Allele frequency attached by ClinVar (database versions not stated): gnomAD 0.00001; gnomAD exomes 0.00002; TOPMed 0.00002; ExAC 0.00003.
gnomAD v4.1: 44 of 1,614,008 alleles (0.0027%); highest among the groups gnomAD compares: Non-Finnish European, 0.0036%; no homozygotes.

Submissions (3):

Labcorp Genetics (formerly Invitae), Labcorp
Classification: Uncertain significance for Tall stature-scoliosis-macrodactyly of the great toes syndrome; Acromesomelic dysplasia 1, Maroteaux type. Last evaluated: 2024-12-11. Review status: criteria provided, single submitter. Criteria: Invitae Variant Classification Sherloc (09022015). Collection method: clinical testing. Allele origin: germline.
Comment: This sequence change replaces asparagine, which is neutral and polar, with serine, which is neutral and polar, at codon 810 of the NPR2 protein (p.Asn810Ser). This variant is present in population databases (rs764876586, gnomAD 0.004%). This variant has not been reported in the literature in individuals affected with NPR2-related conditions. ClinVar contains an entry for this variant (Variation ID: 1044739). Invitae Evidence Modeling of protein sequence and biophysical properties (such as structural, functional, and spatial information, amino acid conservation, physicochemical variation, residue mobility, and thermodynamic stability) indicates that this missense variant is not expected to disrupt NPR2 protein function with a negative predictive value of 80%. In summary, the available evidence is currently insufficient to determine the role of this variant in disease. Therefore, it has been classified as a Variant of Uncertain Significance.

Ambry Genetics
Classification: Uncertain significance for Inborn genetic diseases. Last evaluated: 2023-02-27. Review status: criteria provided, single submitter. Criteria: Ambry Variant Classification Scheme 2023. Collection method: clinical testing. Allele origin: germline.

Blueprint Genetics
Classification: Uncertain significance. Last evaluated: 2020-09-02. Review status: criteria provided, single submitter. Criteria: ACMG Guidelines, 2015. Collection method: clinical testing. Allele origin: germline.

NM_003995.4(NPR2):c.2429A>G (p.Asn810Ser)

Gene: NPR2 (natriuretic peptide receptor 2; plus strand). Cytogenetic location: 9p13.3.
Variant type: single nucleotide variant.
Coding change: c.2429A>G on transcript NM_003995.4 (MANE Select); coding-DNA position 2429, A replaced by G.
Protein change: p.Asn810Ser; replaces asparagine 810 with serine.
Molecular consequence: missense variant.
Genome position (GRCh38, 1-based): chr9:35,806,448, A>G. VCF-style: chr9-35806448-A-G. GRCh37 (hg19) VCF-style: chr9-35806445-A-G.
Other names: c.2438A>G, p.Asn813Ser (NM_001378923.1); c.2429A>G (NM_003995.3); short protein forms N813S, N810S.
Identifiers: ClinVar variation 1044739 (VCV001044739.11), dbSNP rs764876586, ClinGen allele CA5051969.